The following is an entry in ClinVar:

NM_152327.5(AK7):c.455T>C (p.Leu152Pro)

Gene: AK7 (adenylate kinase 7; plus strand). Cytogenetic location: 14q32.2.
Variant type: single nucleotide variant.
Coding change: c.455T>C on transcript NM_152327.5 (MANE Select); coding-DNA position 455, T replaced by C.
Protein change: p.Leu152Pro; replaces leucine 152 with proline.
Molecular consequence: missense variant.
Genome position (GRCh38, 1-based): chr14:96,408,898, T>C. VCF-style: chr14-96408898-T-C. GRCh37 (hg19) VCF-style: chr14-96875235-T-C.
Other names: c.455T>C (NM_152327.3); c.455T>C, p.Leu152Pro (NM_001350888.2, NM_001350890.2, NM_001350891.2 and 1 more transcripts); short protein forms L152P.
Identifiers: ClinVar variation 1455781 (VCV001455781.10), dbSNP rs114610441, ClinGen allele CA7337480.
Genomic context (GRCh38, chr14:96,408,898, plus strand): 5'-GCCCCACAGCACTCAGTGAAGAAGTCAGCCACTTTGAAAAGCGAAAGCTATTTATTTTAC[T>C]GTCGACGGTGATGACTTGGGCGCGCTCCAAAGCCCTGGACCCCGTAAGTAGAGCGTTAGC-3'
Protein context (NP_689540.2, residues 142-162): HFEKRKLFIL[Leu152Pro]STVMTWARSK

ClinVar aggregate classification (germline): Likely benign. Review status: criteria provided, single submitter (1 of 4 stars). 2 submissions from 2 submitters: Likely benign (1). 1 of the submissions does not count toward it. Last evaluated 2025-12-28.

Conditions:
AK7-related disorder. Also called: AK7-related condition.

Allele frequency attached by ClinVar (database versions not stated): gnomAD exomes 0.00011 and 0.00030; ExAC 0.00034; 1000 Genomes Project 0.00080; 1000 Genomes Project 30x 0.00094; ESP Exome Variant Server 0.00131; gnomAD 0.00135; TOPMed 0.00139.
gnomAD v4.1: 356 of 1,614,256 alleles (0.022%); highest among the groups gnomAD compares: African/African-American, 0.41%; no homozygotes.

Submissions (2):

Labcorp Genetics (formerly Invitae), Labcorp
Classification: Likely benign. Last evaluated: 2025-12-28. Review status: criteria provided, single submitter. Criteria: Invitae Variant Classification Sherloc (09022015). Collection method: clinical testing. Allele origin: germline.

PreventionGenetics, part of Exact Sciences
Classification: Likely benign for AK7-related condition. Last evaluated: 2023-09-14. Review status: no assertion criteria provided. Collection method: clinical testing. Allele origin: germline. Not counted in ClinVar's aggregate classification.
Comment: This variant is classified as likely benign based on ACMG/AMP sequence variant interpretation guidelines (Richards et al. 2015 PMID: 25741868, with internal and published modifications).